The following is an entry in ClinVar:

ClinVar aggregate classification (germline): Uncertain significance. Review status: criteria provided, single submitter (1 of 4 stars). 2 submissions from 2 submitters: Uncertain significance (1). 1 of the submissions does not count toward it. Last evaluated 2025-07-30.

gnomAD v4.1: 34 of 1,610,772 alleles (0.0021%); highest among the groups gnomAD compares: South Asian, 0.027%; no homozygotes.

Submissions (2):

Labcorp Genetics (formerly Invitae), Labcorp
Classification: Uncertain significance. Last evaluated: 2025-07-30. Review status: criteria provided, single submitter. Criteria: Invitae Variant Classification Sherloc (09022015). Collection method: clinical testing. Allele origin: germline.
Comment: This sequence change replaces proline, which is neutral and non-polar, with alanine, which is neutral and non-polar, at codon 540 of the TCF3 protein (p.Pro540Ala). This variant is present in population databases (rs778885981, gnomAD 0.04%). This variant has not been reported in the literature in individuals affected with TCF3-related conditions. ClinVar contains an entry for this variant (Variation ID: 806006). Invitae Evidence Modeling of protein sequence and biophysical properties (such as structural, functional, and spatial information, amino acid conservation, physicochemical variation, residue mobility, and thermodynamic stability) indicates that this missense variant is not expected to disrupt TCF3 protein function with a negative predictive value of 80%. In summary, the available evidence is currently insufficient to determine the role of this variant in disease. Therefore, it has been classified as a Variant of Uncertain Significance.

Pediatric Oncology, Johns Hopkins University
Classification: Uncertain significance. Last evaluated: 2019-02-15. Review status: no assertion criteria provided. Collection method: clinical testing. Allele origin: somatic. Affected: no. Not counted in ClinVar's aggregate classification.

NM_003200.5(TCF3):c.1618C>G (p.Pro540Ala)

Gene: TCF3 (transcription factor 3; minus strand). Cytogenetic location: 19p13.3.
Variant type: single nucleotide variant.
Coding change: c.1618C>G on transcript NM_003200.5 (MANE Select); coding-DNA position 1618, C replaced by G.
Protein change: p.Pro540Ala; replaces proline 540 with alanine.
Molecular consequence: missense variant. On other transcripts: intron variant (2).
Genome position (GRCh38, 1-based): chr19:1,615,489, G>C on the plus strand (C>G on the coding strand, the complement: TCF3 is on the minus strand). VCF-style: chr19-1615489-G-C. GRCh37 (hg19) VCF-style: chr19-1615488-G-C.
Other names: c.1615C>G, p.Pro539Ala (NM_001351778.2); c.1586+197C>G (NM_001136139.4, NM_001351779.2); short protein forms P539A, P540A.
Identifiers: ClinVar variation 806006 (VCV000806006.9), dbSNP rs778885981, ClinGen allele CA9049672.